The following is an entry in ClinVar:

ClinVar aggregate classification (germline): Uncertain significance. Review status: criteria provided, multiple submitters, no conflicts (2 of 4 stars). 2 submissions from 2 submitters: Uncertain significance (2). Last evaluated 2026-01-08.

Conditions:
Lacrimoauriculodentodigital syndrome 3 (LADD3). Also called: LADD syndrome 3. Identifiers: MedGen C5774287, MONDO:0859578, OMIM 620193.
Congenital absence of salivary gland (ALSG). Also called: Aplasia of lacrimal and salivary glands; Salivary glands, absence of. Identifiers: Orphanet 86815, MedGen C0158667, MONDO:0008397, OMIM 180920.

Allele frequency attached by ClinVar (database versions not stated): gnomAD exomes 0.00001; ExAC 0.00002; TOPMed 0.00002.

Submissions (2):

Labcorp Genetics (formerly Invitae), Labcorp
Classification: Uncertain significance. Last evaluated: 2026-01-08. Review status: criteria provided, single submitter. Criteria: Invitae Variant Classification Sherloc (09022015). Collection method: clinical testing. Allele origin: germline.
Comment: This sequence change replaces valine, which is neutral and non-polar, with methionine, which is neutral and non-polar, at codon 205 of the FGF10 protein (p.Val205Met). This variant is present in population databases (rs773535125, gnomAD 0.02%). This variant has not been reported in the literature in individuals affected with FGF10-related conditions. ClinVar contains an entry for this variant (Variation ID: 1913342). An algorithm developed to predict the effect of missense changes on protein structure and function (PolyPhen-2) suggests that this variant is likely to be tolerated. In summary, the available evidence is currently insufficient to determine the role of this variant in disease. Therefore, it has been classified as a Variant of Uncertain Significance.

Fulgent Genetics
Classification: Uncertain significance for Congenital absence of salivary gland; Lacrimoauriculodentodigital syndrome 3. Last evaluated: 2024-02-06. Review status: criteria provided, single submitter. Criteria: ACMG Guidelines, 2015. Collection method: clinical testing. Allele origin: germline.

NM_004465.2(FGF10):c.613G>A (p.Val205Met)

Gene: FGF10 (fibroblast growth factor 10; minus strand). Cytogenetic location: 5p12.
Variant type: single nucleotide variant.
Coding change: c.613G>A on transcript NM_004465.2 (MANE Select); coding-DNA position 613, G replaced by A.
Protein change: p.Val205Met; replaces valine 205 with methionine.
Molecular consequence: missense variant.
Genome position (GRCh38, 1-based): chr5:44,305,009, C>T on the plus strand (G>A on the coding strand, the complement: FGF10 is on the minus strand). VCF-style: chr5-44305009-C-T. GRCh37 (hg19) VCF-style: chr5-44305111-C-T.
Other names: short protein forms V205M.
Identifiers: ClinVar variation 1913342 (VCV001913342.6), dbSNP rs773535125, ClinGen allele CA3258477.